The following is an entry in ClinVar:

NM_000124.4(ERCC6):c.135C>G (p.Leu45=)

Gene: ERCC6 (ERCC excision repair 6, chromatin remodeling factor; minus strand). Cytogenetic location: 10q11.23.
Variant type: single nucleotide variant.
Coding change: c.135C>G on transcript NM_000124.4 (MANE Select); coding-DNA position 135, C replaced by G.
Protein change: p.Leu45=; no amino-acid change (leucine 45 retained).
Molecular consequence: synonymous variant.
Genome position (GRCh38, 1-based): chr10:49,532,830, G>C on the plus strand (C>G on the coding strand, the complement: ERCC6 is on the minus strand). VCF-style: chr10-49532830-G-C. GRCh37 (hg19) VCF-style: chr10-50740876-G-C.
Other names: p.Leu45=; c.135C>G, p.Leu45= (NM_001277058.2, NM_001277059.2, NM_001346440.2).
Identifiers: ClinVar variation 129014 (VCV000129014.30), dbSNP rs2228524, ClinGen allele CA152777.
Genomic context (GRCh38, chr10:49,532,830, plus strand): 5'-AGCTGCTGATGCGCACCCCACAGCAGAGGTGGACAGCCCGTCACCCACAGAACGAAAGGA[G>C]AGGTACTCCTCCACCTCCCCATCACCACCACTTTCTTGCTTGATTGCCATTTCTTCATTA-3'
Protein context (NP_000115.1, residues 35-55): SGGDGEVEEY[Leu45=]SFRSVGDGLS

ClinVar aggregate classification (germline): Benign. Review status: criteria provided, multiple submitters, no conflicts (2 of 4 stars). 15 submissions from 12 submitters: Benign (11). 4 of the submissions do not count toward it. Last evaluated 2026-02-04.

Conditions:
Cerebrooculofacioskeletal syndrome 1 (COFS1). Also called: Cerebro-oculo-facio-skeletal syndrome 1. Identifiers: MedGen C0220722, MONDO:0008955, OMIM 214150.
UV-sensitive syndrome 1 (UVSS1). Identifiers: Orphanet 178338, MedGen C3551173, MONDO:0010909, OMIM 600630.
Cockayne syndrome type 2 (CSB). Also called: Cockayne Syndrome, Type II; COCKAYNE SYNDROME B. Identifiers: Orphanet 191, Orphanet 90322, MedGen C0751038, MONDO:0019570, OMIM 133540.
DE SANCTIS-CACCHIONE SYNDROME. Identifiers: MedGen C0265201, MONDO:0010217, OMIM 278800.

Allele frequency attached by ClinVar (database versions not stated): 1000 Genomes Project 30x 0.57979; 1000 Genomes Project 0.59085; TOPMed 0.61051; gnomAD 0.62551 and 0.63279; ESP Exome Variant Server 0.62756; ExAC 0.69463.
gnomAD v4.1: 1,157,791 of 1,613,926 alleles (72%); highest among the groups gnomAD compares: South Asian, 81%; 421,790 homozygotes.

Submissions (15):

Labcorp Genetics (formerly Invitae), Labcorp
Classification: Benign. Last evaluated: 2026-02-04. Review status: criteria provided, single submitter. Criteria: Invitae Variant Classification Sherloc (09022015). Collection method: clinical testing. Allele origin: germline.

Blueprint Genetics
Classification: Benign. Last evaluated: 2024-11-27. Review status: criteria provided, single submitter. Criteria: ACMG Guidelines, 2015. Collection method: clinical testing. Allele origin: germline.

Genome-Nilou Lab
Classification: Benign for Cerebrooculofacioskeletal syndrome 1. Last evaluated: 2021-07-30. Review status: criteria provided, single submitter. Criteria: ACMG Guidelines, 2015. Collection method: clinical testing. Allele origin: germline. Affected: no.

Genome-Nilou Lab
Classification: Benign for Cockayne syndrome type 2. Last evaluated: 2021-07-30. Review status: criteria provided, single submitter. Criteria: ACMG Guidelines, 2015. Collection method: clinical testing. Allele origin: germline. Affected: no.

Genome-Nilou Lab
Classification: Benign for DE SANCTIS-CACCHIONE SYNDROME. Last evaluated: 2021-07-30. Review status: criteria provided, single submitter. Criteria: ACMG Guidelines, 2015. Collection method: clinical testing. Allele origin: germline. Affected: no.

Genome-Nilou Lab
Classification: Benign for UV-sensitive syndrome 1. Last evaluated: 2021-07-30. Review status: criteria provided, single submitter. Criteria: ACMG Guidelines, 2015. Collection method: clinical testing. Allele origin: germline. Affected: no.

GeneDx
Classification: Benign. Last evaluated: 2019-02-06. Review status: criteria provided, single submitter. Criteria: GeneDx Variant Classification Process June 2021. Collection method: clinical testing. Allele origin: germline. Affected: yes.

Mayo Clinic Laboratories, Mayo Clinic
Classification: Benign. Last evaluated: 2017-07-18. Review status: criteria provided, single submitter. Criteria: ACMG Guidelines, 2015. Collection method: clinical testing. Allele origin: germline. Observed: 628 variant alleles.

Claritas Genomics
Classification: Benign. Last evaluated: 2012-04-17. Review status: criteria provided, single submitter. Criteria: ACMG Guidelines, 2007. Collection method: clinical testing. Allele origin: germline. Inheritance: Autosomal recessive inheritance.

Breakthrough Genomics
Classification: Benign. Review status: criteria provided, single submitter. Criteria: ACMG Guidelines, 2015. Collection method: not provided. Allele origin: germline. Inheritance: Autosomal recessive inheritance. Affected: yes.

PreventionGenetics, part of Exact Sciences
Classification: Benign. Review status: criteria provided, single submitter. Criteria: ACMG Guidelines, 2015. Collection method: clinical testing. Allele origin: germline.

Clinical Genetics DNA and cytogenetics Diagnostics Lab, Erasmus MC, Erasmus Medical Center
Classification: Benign. Review status: no assertion criteria provided. Collection method: clinical testing. Allele origin: germline. Affected: yes. Study: VKGL Data-share Consensus. Not counted in ClinVar's aggregate classification.

Diagnostic Laboratory, Department of Genetics, University Medical Center Groningen
Classification: Benign. Review status: no assertion criteria provided. Collection method: clinical testing. Allele origin: germline. Affected: yes. Study: VKGL Data-share Consensus. Not counted in ClinVar's aggregate classification.

Genetic Services Laboratory, University of Chicago
Classification: Likely benign for AllHighlyPenetrant. Review status: no assertion criteria provided. Collection method: clinical testing. Allele origin: germline. Not counted in ClinVar's aggregate classification.
Comment: Likely benign based on allele frequency in 1000 Genomes Project or ESP global frequency and its presence in a patient with a rare or unrelated disease phenotype. NOT Sanger confirmed.

Joint Genome Diagnostic Labs from Nijmegen and Maastricht, Radboudumc and MUMC+
Classification: Benign. Review status: no assertion criteria provided. Collection method: clinical testing. Allele origin: germline. Affected: yes. Study: VKGL Data-share Consensus. Not counted in ClinVar's aggregate classification.